The following is an entry in ClinVar:

ClinVar aggregate classification (germline): Uncertain significance (1 of 4 stars; one submission).

Conditions:
Overweight. Identifiers: MedGen C0497406, HP:0025502.
Neurodevelopmental abnormality. Identifiers: MedGen C4022737, HP:0012759.

Submission:

Department of Clinical Genetics, Aarhus University Hospital
Classification: Uncertain significance for Neurodevelopmental abnormality; Overweight. Last evaluated: 2026-10-01. Review status: criteria provided, single submitter. Criteria: ACMG Guidelines, 2015. Collection method: clinical testing. Allele origin: unknown. Inheritance: Autosomal dominant inheritance. Affected: yes.
Comment: The variant is not seen in the gnomAD 4.1 database. The variant is a nonsense variant leading to a premature termination codon in exon 1 of 1 and is anticipated to result in a truncated protein (NMD-escape). There are reported a pathogenic nonsense variant downstream of this variant. According to the ACMG guidelines, this variant is interpreted as a variant of uncertain significance (PM2_supporting, PVS1_moderate).

Literature cited by the submitters: PubMed 26833329; PubMed 37207645.

NM_005604.4(POU3F2):c.1203G>A (p.Trp401Ter)

Gene: POU3F2 (POU class 3 homeobox 2; plus strand). Cytogenetic location: 6q16.1.
Variant type: single nucleotide variant.
Coding change: c.1203G>A on transcript NM_005604.4 (MANE Select); coding-DNA position 1203, G replaced by A.
Protein change: p.Trp401Ter; replaces tryptophan 401 with a stop codon.
Molecular consequence: nonsense.
Genome position (GRCh38, 1-based): chr6:98,836,076, G>A. VCF-style: chr6-98836076-G-A. GRCh37 (hg19) VCF-style: chr6-99283952-G-A.
Other names: short protein forms W401*.
Identifiers: ClinVar variation 5038442 (VCV005038442.1).